The following is an entry in ClinVar:

NM_005428.4(VAV1):c.542A>T (p.Glu181Val)

Gene: VAV1 (vav guanine nucleotide exchange factor 1; plus strand). Cytogenetic location: 19p13.3.
Variant type: single nucleotide variant.
Coding change: c.542A>T on transcript NM_005428.4 (MANE Select); coding-DNA position 542, A replaced by T.
Protein change: p.Glu181Val; replaces glutamic acid 181 with valine.
Molecular consequence: missense variant.
Genome position (GRCh38, 1-based): chr19:6,822,313, A>T. VCF-style: chr19-6822313-A-T. GRCh37 (hg19) VCF-style: chr19-6822324-A-T.
Other names: c.542A>T, p.Glu181Val (NM_001258206.2, NM_001258207.2); short protein forms E181V.
Identifiers: ClinVar variation 1478249 (VCV001478249.6), dbSNP rs2144770706, ClinGen allele CA403615885.

ClinVar aggregate classification (germline): Uncertain significance (1 of 4 stars; one submission).

Submission:

Labcorp Genetics (formerly Invitae), Labcorp
Classification: Uncertain significance. Last evaluated: 2022-09-27. Review status: criteria provided, single submitter. Criteria: Invitae Variant Classification Sherloc (09022015). Collection method: clinical testing. Allele origin: germline.
Comment: This variant is not present in population databases (gnomAD no frequency). This variant has not been reported in the literature in individuals affected with VAV1-related conditions. ClinVar contains an entry for this variant (Variation ID: 1478249). Algorithms developed to predict the effect of missense changes on protein structure and function are either unavailable or do not agree on the potential impact of this missense change (SIFT: "Deleterious"; PolyPhen-2: "Possibly Damaging"; Align-GVGD: "Class C0"). Algorithms developed to predict the effect of sequence changes on RNA splicing suggest that this variant may create or strengthen a splice site. In summary, the available evidence is currently insufficient to determine the role of this variant in disease. Therefore, it has been classified as a Variant of Uncertain Significance. This sequence change replaces glutamic acid, which is acidic and polar, with valine, which is neutral and non-polar, at codon 181 of the VAV1 protein (p.Glu181Val).